The following is an entry in ClinVar:

NM_181882.3(PRX):c.3770G>T (p.Gly1257Val)

Gene: PRX (periaxin; minus strand). Cytogenetic location: 19q13.2.
Variant type: single nucleotide variant.
Coding change: c.3770G>T on transcript NM_181882.3 (MANE Select); coding-DNA position 3770, G replaced by T.
Protein change: p.Gly1257Val; replaces glycine 1257 with valine.
Molecular consequence: missense variant. On other transcripts: 3 prime UTR variant (1).
Genome position (GRCh38, 1-based): chr19:40,394,582, C>A on the plus strand (G>T on the coding strand, the complement: PRX is on the minus strand). VCF-style: chr19-40394582-C-A. GRCh37 (hg19) VCF-style: chr19-40900489-C-A.
Other names: c.*3975G>T (NM_020956.2); short protein forms G1257V.
Identifiers: ClinVar variation 1434102 (VCV001434102.8), dbSNP rs1424142560, ClinGen allele CA405892264.

ClinVar aggregate classification (germline): Uncertain significance (1 of 4 stars; one submission).

Conditions:
Charcot-Marie-Tooth disease type 4. Also called: Charcot-Marie-Tooth, Type 4; Charcot-Marie-Tooth disease, type IV. Identifiers: Orphanet 64749, MedGen C4082197, MONDO:0018995.

Allele frequency attached by ClinVar (database versions not stated): gnomAD exomes below 0.00001.

Submission:

Labcorp Genetics (formerly Invitae), Labcorp
Classification: Uncertain significance for Charcot-Marie-Tooth disease type 4. Last evaluated: 2021-01-18. Review status: criteria provided, single submitter. Criteria: Invitae Variant Classification Sherloc (09022015). Collection method: clinical testing. Allele origin: germline.
Comment: This sequence change replaces glycine with valine at codon 1257 of the PRX protein (p.Gly1257Val). The glycine residue is moderately conserved and there is a moderate physicochemical difference between glycine and valine. This variant is not present in population databases (ExAC no frequency). This variant has not been reported in the literature in individuals with PRX-related conditions. Algorithms developed to predict the effect of missense changes on protein structure and function are either unavailable or do not agree on the potential impact of this missense change (SIFT: "Deleterious"; PolyPhen-2: "Probably Damaging"; Align-GVGD: "Class C0"). Algorithms developed to predict the effect of sequence changes on RNA splicing suggest that this variant may create or strengthen a splice site, but this prediction has not been confirmed by published transcriptional studies. In summary, the available evidence is currently insufficient to determine the role of this variant in disease. Therefore, it has been classified as a Variant of Uncertain Significance.